The following is an entry in ClinVar:

ClinVar aggregate classification (germline): Uncertain significance (1 of 4 stars; one submission).

Conditions:
Hereditary cancer-predisposing syndrome. Also called: Neoplastic Syndromes, Hereditary; Tumor predisposition; Hereditary Cancer Syndrome; Hereditary neoplastic syndrome. Identifiers: Orphanet 140162, MedGen C0027672, MeSH D009386, MONDO:0015356.
Cardiovascular phenotype. Identifiers: MedGen CN230736.

Submission:

Ambry Genetics
Classification: Uncertain significance for Cardiovascular phenotype; Hereditary cancer-predisposing syndrome. Last evaluated: 2023-05-17. Review status: criteria provided, single submitter. Criteria: Ambry Variant Classification Scheme 2023. Collection method: clinical testing. Allele origin: germline.
Comment: The c.1821C>T variant (also known as p.H607H), located in coding exon 16 of the LZTR1 gene, results from a C to T substitution at nucleotide position 1821. This nucleotide substitution does not change the histidine at codon 607. RNA studies have demonstrated that this alteration results in a splice defect; the clinical impact of this abnormal splicing is unknown at this time (Ambry internal data). This nucleotide position is well conserved in available vertebrate species. In silico splice site analysis for this alteration is inconclusive. Since supporting evidence is limited at this time, the clinical significance of this alteration remains unclear.

NM_006767.4(LZTR1):c.1821C>T (p.His607=)

Gene: LZTR1 (leucine zipper like post translational regulator 1; plus strand). Cytogenetic location: 22q11.21.
Variant type: single nucleotide variant.
Coding change: c.1821C>T on transcript NM_006767.4 (MANE Select); coding-DNA position 1821, C replaced by T.
Protein change: p.His607=; no amino-acid change (histidine 607 retained).
Molecular consequence: synonymous variant.
Genome position (GRCh38, 1-based): chr22:20,994,905, C>T. VCF-style: chr22-20994905-C-T. GRCh37 (hg19) VCF-style: chr22-21349194-C-T.
Identifiers: ClinVar variation 1780767 (VCV001780767.2), dbSNP rs2518622367, ClinGen allele CA513699395.